The following is an entry in ClinVar:

NM_001022.4(RPS19):c.280C>G (p.Arg94Gly)

Genes: RPS19 (ribosomal protein S19; plus strand), RPS19-CD79A (RPS19-CD79A readthrough; plus strand). Cytogenetic location: 19q13.2.
Variant type: single nucleotide variant.
Coding change: c.280C>G on transcript NM_001022.4 (MANE Select); coding-DNA position 280, C replaced by G.
Protein change: p.Arg94Gly; replaces arginine 94 with glycine.
Molecular consequence: missense variant.
Genome position (GRCh38, 1-based): chr19:41,869,138, C>G. VCF-style: chr19-41869138-C-G. GRCh37 (hg19) VCF-style: chr19-42373208-C-G.
Other names: c.280C>G, p.Arg94Gly (NM_001321483.2, NM_001321484.2); c.293C>G, p.Pro98Arg (NM_001321485.2); short protein forms R94G, P98R.
Identifiers: ClinVar variation 3727486 (VCV003727486.3).

ClinVar aggregate classification (germline): Uncertain significance. Review status: criteria provided, multiple submitters, no conflicts (2 of 4 stars). 2 submissions from 2 submitters: Uncertain significance (2). Last evaluated 2024-05-08.

Conditions:
Diamond-Blackfan anemia. Also called: Blackfan Diamond syndrome; Aregenerative anemia chronic congenital; Red cell aplasia, pure hereditary; Congenital hypoplastic anemia; Aase syndrome. Identifiers: Orphanet 124, MedGen C1260899, MeSH D029503, MONDO:0015253, HP:0004810.
Diamond-Blackfan anemia 1 (DBA1). Also called: RPS19-Related Diamond-Blackfan Anemia; BLACKFAN-DIAMOND SYNDROME; ANEMIA, CONGENITAL HYPOPLASTIC, OF BLACKFAN AND DIAMOND; ANEMIA, CONGENITAL ERYTHROID HYPOPLASTIC; RED CELL APLASIA, PURE, HEREDITARY; AREGENERATIVE ANEMIA, CHRONIC CONGENITAL. Identifiers: Orphanet 124, MedGen C2676137, MONDO:0007110, OMIM 105650.

gnomAD v4.1: 1 of 1,613,910 alleles (0.000062%); highest among the groups gnomAD compares: Non-Finnish European, 0.000085%; no homozygotes.

Submissions (2):

Labcorp Genetics (formerly Invitae), Labcorp
Classification: Uncertain significance for Diamond-Blackfan anemia. Last evaluated: 2024-05-08. Review status: criteria provided, single submitter. Criteria: Invitae Variant Classification Sherloc (09022015). Collection method: clinical testing. Allele origin: germline.
Comment: This sequence change replaces arginine, which is basic and polar, with glycine, which is neutral and non-polar, at codon 94 of the RPS19 protein (p.Arg94Gly). This variant is not present in population databases (gnomAD no frequency). This variant has not been reported in the literature in individuals affected with RPS19-related conditions. An algorithm developed to predict the effect of missense changes on protein structure and function (PolyPhen-2) suggests that this variant is likely to be tolerated. In summary, the available evidence is currently insufficient to determine the role of this variant in disease. Therefore, it has been classified as a Variant of Uncertain Significance.

Revvity Omics, Revvity
Classification: Uncertain significance for Diamond-Blackfan anemia 1. Last evaluated: 2024-03-18. Review status: criteria provided, single submitter. Criteria: ACMG Guidelines, 2015. Collection method: clinical testing. Allele origin: germline.